The following is an entry in ClinVar:

NM_130384.3(ATRIP):c.1583G>T (p.Gly528Val)

Genes: ATRIP (ATR interacting protein; plus strand), ATRIP-TREX1 (ATRIP-TREX1 readthrough; plus strand). Cytogenetic location: 3p21.31.
Variant type: single nucleotide variant.
Coding change: c.1583G>T on transcript NM_130384.3 (MANE Select); coding-DNA position 1583, G replaced by T.
Protein change: p.Gly528Val; replaces glycine 528 with valine.
Molecular consequence: missense variant. On other transcripts: non-coding transcript variant (1).
Genome position (GRCh38, 1-based): chr3:48,460,637, G>T. VCF-style: chr3-48460637-G-T. GRCh37 (hg19) VCF-style: chr3-48502036-G-T.
Other names: c.1202G>T, p.Gly401Val (NM_001271022.2); c.1304G>T, p.Gly435Val (NM_001271023.2); c.1583G>T, p.Gly528Val (NM_032166.4); short protein forms G401V, G435V, G528V.
Identifiers: ClinVar variation 3621438 (VCV003621438.2).

ClinVar aggregate classification (germline): Uncertain significance (1 of 4 stars; one submission).

gnomAD v4.1: 1 of 1,613,976 alleles (0.000062%); highest among the groups gnomAD compares: African/African-American, 0.0013%; no homozygotes.

Submission:

Labcorp Genetics (formerly Invitae), Labcorp
Classification: Uncertain significance. Last evaluated: 2024-11-22. Review status: criteria provided, single submitter. Criteria: Invitae Variant Classification Sherloc (09022015). Collection method: clinical testing. Allele origin: germline.
Comment: This sequence change replaces glycine, which is neutral and non-polar, with valine, which is neutral and non-polar, at codon 528 of the ATRIP protein (p.Gly528Val). This variant is present in population databases (rs757534549, gnomAD 0.007%). This variant has not been reported in the literature in individuals affected with ATRIP-related conditions. An algorithm developed to predict the effect of missense changes on protein structure and function (PolyPhen-2) suggests that this variant is likely to be tolerated. In summary, the available evidence is currently insufficient to determine the role of this variant in disease. Therefore, it has been classified as a Variant of Uncertain Significance.